The following is an entry in ClinVar:

NM_006904.7(PRKDC):c.2363A>G (p.Tyr788Cys)

Gene: PRKDC (protein kinase, DNA-activated, catalytic subunit; minus strand). Cytogenetic location: 8q11.21.
Variant type: single nucleotide variant.
Coding change: c.2363A>G on transcript NM_006904.7 (MANE Select); coding-DNA position 2363, A replaced by G.
Protein change: p.Tyr788Cys; replaces tyrosine 788 with cysteine.
Molecular consequence: missense variant.
Genome position (GRCh38, 1-based): chr8:47,927,250, T>C on the plus strand (A>G on the coding strand, the complement: PRKDC is on the minus strand). VCF-style: chr8-47927250-T-C. GRCh37 (hg19) VCF-style: chr8-48839810-T-C.
Other names: c.2363A>G, p.Tyr788Cys (NM_001081640.2); short protein forms Y788C.
Identifiers: ClinVar variation 4777179 (VCV004777179.1).

ClinVar aggregate classification (germline): Uncertain significance (1 of 4 stars; one submission).

Conditions:
Severe combined immunodeficiency due to DNA-PKcs deficiency. Also called: IMMUNODEFICIENCY 26 WITH NEUROLOGIC ABNORMALITIES; Immunodeficiency 26 with or without neurologic abnormalities. Identifiers: Orphanet 317425, MedGen C4014833, MONDO:0014423, OMIM 615966.

gnomAD v4.1: 1 of 1,613,890 alleles (0.000062%); highest among the groups gnomAD compares: East Asian, 0.0022%; no homozygotes.

Submission:

Labcorp Genetics (formerly Invitae), Labcorp
Classification: Uncertain significance for Severe combined immunodeficiency due to DNA-PKcs deficiency. Last evaluated: 2025-09-23. Review status: criteria provided, single submitter. Criteria: Invitae Variant Classification Sherloc (09022015). Collection method: clinical testing. Allele origin: germline.
Comment: This sequence change replaces tyrosine, which is neutral and polar, with cysteine, which is neutral and slightly polar, at codon 788 of the PRKDC protein (p.Tyr788Cys). This variant is present in population databases (no rsID available, gnomAD 0.006%). This variant has not been reported in the literature in individuals affected with PRKDC-related conditions. Invitae Evidence Modeling of protein sequence and biophysical properties (such as structural, functional, and spatial information, amino acid conservation, physicochemical variation, residue mobility, and thermodynamic stability) indicates that this missense variant is not expected to disrupt PRKDC protein function with a negative predictive value of 80%. In summary, the available evidence is currently insufficient to determine the role of this variant in disease. Therefore, it has been classified as a Variant of Uncertain Significance.